The following is an entry in ClinVar:

ClinVar aggregate classification (germline): Uncertain significance (1 of 4 stars; one submission).

Submission:

Ambry Genetics
Classification: Uncertain significance. Last evaluated: 2023-07-29. Review status: criteria provided, single submitter. Criteria: Ambry Variant Classification Scheme 2023. Collection method: clinical testing. Allele origin: germline.
Comment: The p.A969S variant (also known as c.2905G>T), located in coding exon 4 of the ALPK2 gene, results from a G to T substitution at nucleotide position 2905. The alanine at codon 969 is replaced by serine, an amino acid with similar properties. This amino acid position is conserved. In addition, this alteration is predicted to be tolerated by in silico analysis. Since supporting evidence is limited at this time, the clinical significance of this alteration remains unclear.

NM_052947.4(ALPK2):c.2905G>T (p.Ala969Ser)

Gene: ALPK2 (alpha kinase 2; minus strand). Cytogenetic location: 18q21.31.
Variant type: single nucleotide variant.
Coding change: c.2905G>T on transcript NM_052947.4 (MANE Select); coding-DNA position 2905, G replaced by T.
Protein change: p.Ala969Ser; replaces alanine 969 with serine.
Molecular consequence: missense variant.
Genome position (GRCh38, 1-based): chr18:58,537,282, C>A on the plus strand (G>T on the coding strand, the complement: ALPK2 is on the minus strand). VCF-style: chr18-58537282-C-A. GRCh37 (hg19) VCF-style: chr18-56204514-C-A.
Other names: short protein forms A969S.
Identifiers: ClinVar variation 2624513 (VCV002624513.2), dbSNP rs371835741, ClinGen allele CA402569516.